The following is an entry in ClinVar:

ClinVar aggregate classification (germline): Uncertain significance (1 of 4 stars; one submission).

Conditions:
Cardiovascular phenotype. Identifiers: MedGen CN230736.

Allele frequency attached by ClinVar (database versions not stated): gnomAD exomes below 0.00001.
gnomAD v4.1: 1 of 1,614,086 alleles (0.000062%); highest among the groups gnomAD compares: Non-Finnish European, 0.000085%; no homozygotes.

Submission:

Ambry Genetics
Classification: Uncertain significance for Cardiovascular phenotype. Last evaluated: 2023-09-06. Review status: criteria provided, single submitter. Criteria: Ambry Variant Classification Scheme 2023. Collection method: clinical testing. Allele origin: germline.
Comment: The p.H271N variant (also known as c.811C>A), located in coding exon 7 of the TBX5 gene, results from a C to A substitution at nucleotide position 811. The histidine at codon 271 is replaced by asparagine, an amino acid with similar properties. This amino acid position is conserved. In addition, this alteration is predicted to be tolerated by in silico analysis. Since supporting evidence is limited at this time, the clinical significance of this alteration remains unclear.

NM_181486.4(TBX5):c.811C>A (p.His271Asn)

Gene: TBX5 (T-box transcription factor 5; minus strand). Cytogenetic location: 12q24.21.
Variant type: single nucleotide variant.
Coding change: c.811C>A on transcript NM_181486.4 (MANE Select); coding-DNA position 811, C replaced by A.
Protein change: p.His271Asn; replaces histidine 271 with asparagine.
Molecular consequence: missense variant.
Genome position (GRCh38, 1-based): chr12:114,366,336, G>T on the plus strand (C>A on the coding strand, the complement: TBX5 is on the minus strand). VCF-style: chr12-114366336-G-T. GRCh37 (hg19) VCF-style: chr12-114804141-G-T.
Other names: c.811C>A, p.His271Asn (NM_000192.3); c.661C>A, p.His221Asn (NM_080717.4); short protein forms H221N, H271N.
Identifiers: ClinVar variation 2625378 (VCV002625378.2), dbSNP rs2540436484, ClinGen allele CA386926578.
Genomic context (GRCh38, chr12:114,366,336, plus strand): 5'-ATTGGGACCCCAAATTGGATGAGGTGGAGAGAGCTCGAGACTCGCTGCTGAAAGGACTGT[G>T]GTTGGAGGCCACTTTTTGCCTCACGGTGCTCCTGGGGACCACGGGATATTCTTTACTGAA-3'
Protein context (NP_852259.1, residues 261-281): STVRQKVASN[His271Asn]SPFSSESRAL